The following is an entry in ClinVar:

NM_002691.4(POLD1):c.1775+5G>C

Gene: POLD1 (DNA polymerase delta 1, catalytic subunit; plus strand). Cytogenetic location: 19q13.33.
Variant type: single nucleotide variant.
Coding change: c.1775+5G>C on transcript NM_002691.4 (MANE Select); 5 bases into the intron after coding-DNA position 1775, G replaced by C.
Molecular consequence: intron variant.
Genome position (GRCh38, 1-based): chr19:50,407,420, G>C. VCF-style: chr19-50407420-G-C. GRCh37 (hg19) VCF-style: chr19-50910677-G-C.
Other names: c.1775+5G>C (NM_001256849.1, NM_001308632.1).
Identifiers: ClinVar variation 3781361 (VCV003781361.1).

ClinVar aggregate classification (germline): Uncertain significance (1 of 4 stars; one submission).

Conditions:
Hereditary cancer-predisposing syndrome. Also called: Neoplastic Syndromes, Hereditary; Hereditary Cancer Syndrome; Tumor predisposition; Hereditary neoplastic syndrome. Identifiers: Orphanet 140162, MedGen C0027672, MeSH D009386, MONDO:0015356.

Submission:

Ambry Genetics
Classification: Uncertain significance for Hereditary cancer-predisposing syndrome. Last evaluated: 2024-12-13. Review status: criteria provided, single submitter. Criteria: Ambry Variant Classification Scheme 2023. Collection method: clinical testing. Allele origin: germline.
Comment: The c.1775+5G>C intronic variant results from a G to C substitution 5 nucleotides after coding exon 13 in the POLD1 gene. This nucleotide position is highly conserved in available vertebrate species. In silico splice site analysis predicts that this alteration may result in the creation or strengthening of a novel splice donor site. Based on the available evidence, the clinical significance of this variant remains unclear.